The following is an entry in ClinVar:

NM_018051.5(DYNC2I1):c.2236C>T (p.Arg746Trp)

Gene: DYNC2I1 (dynein 2 intermediate chain 1; plus strand). Cytogenetic location: 7q36.3.
Variant type: single nucleotide variant.
Coding change: c.2236C>T on transcript NM_018051.5 (MANE Select); coding-DNA position 2236, C replaced by T.
Protein change: p.Arg746Trp; replaces arginine 746 with tryptophan.
Molecular consequence: missense variant.
Genome position (GRCh38, 1-based): chr7:158,923,712, C>T. VCF-style: chr7-158923712-C-T. GRCh37 (hg19) VCF-style: chr7-158716403-C-T.
Other names: c.2098C>T, p.Arg700Trp (NM_001350914.2); c.1663C>T, p.Arg555Trp (NM_001350915.2); c.775C>T, p.Arg259Trp (NM_001350916.2); c.988C>T, p.Arg330Trp (NM_001350917.2, NM_001350918.2); short protein forms R259W, R330W, R555W, R746W, R700W.
Identifiers: ClinVar variation 2044724 (VCV002044724.1), dbSNP rs757064778, ClinGen allele CA4594909.

ClinVar aggregate classification (germline): Uncertain significance (1 of 4 stars; one submission).

Conditions:
Short-rib thoracic dysplasia 8 with or without polydactyly (SRTD8). Also called: SHORT-RIB THORACIC DYSPLASIA 8 WITH POLYDACTYLY. Identifiers: Orphanet 93271, MedGen C3809691, MONDO:0014214, OMIM 615503.

Allele frequency attached by ClinVar (database versions not stated): TOPMed below 0.00001; gnomAD 0.00001; gnomAD exomes 0.00004; ExAC 0.00007.
gnomAD v4.1: 53 of 1,611,566 alleles (0.0033%); highest among the groups gnomAD compares: East Asian, 0.0045%; no homozygotes.

Submission:

Labcorp Genetics (formerly Invitae), Labcorp
Classification: Uncertain significance for Short-rib thoracic dysplasia 8 with or without polydactyly. Last evaluated: 2022-07-29. Review status: criteria provided, single submitter. Criteria: Invitae Variant Classification Sherloc (09022015). Collection method: clinical testing. Allele origin: germline.
Comment: This sequence change replaces arginine, which is basic and polar, with tryptophan, which is neutral and slightly polar, at codon 746 of the WDR60 protein (p.Arg746Trp). This variant is present in population databases (rs757064778, gnomAD 0.009%). This variant has not been reported in the literature in individuals affected with WDR60-related conditions. Algorithms developed to predict the effect of missense changes on protein structure and function are either unavailable or do not agree on the potential impact of this missense change (SIFT: "Deleterious"; PolyPhen-2: "Benign"; Align-GVGD: "Class C0"). In summary, the available evidence is currently insufficient to determine the role of this variant in disease. Therefore, it has been classified as a Variant of Uncertain Significance.